The following is an entry in ClinVar:

ClinVar aggregate classification (germline): Uncertain significance (1 of 4 stars; one submission).

Conditions:
Neuroblastoma, susceptibility to, 3. Also called: ALK-Related Neuroblastic Tumor Susceptibility. Identifiers: Orphanet 635, MedGen C2751681, MONDO:0013083, OMIM 613014.

Submission:

Labcorp Genetics (formerly Invitae), Labcorp
Classification: Uncertain significance for Neuroblastoma, susceptibility to, 3. Last evaluated: 2022-01-11. Review status: criteria provided, single submitter. Criteria: Invitae Variant Classification Sherloc (09022015). Collection method: clinical testing. Allele origin: germline.
Comment: This sequence change replaces proline, which is neutral and non-polar, with serine, which is neutral and polar, at codon 547 of the ALK protein (p.Pro547Ser). This variant is not present in population databases (gnomAD no frequency). This variant has not been reported in the literature in individuals affected with ALK-related conditions. Algorithms developed to predict the effect of missense changes on protein structure and function are either unavailable or do not agree on the potential impact of this missense change (SIFT: "Deleterious"; PolyPhen-2: "Benign"; Align-GVGD: "Class C25"). In summary, the available evidence is currently insufficient to determine the role of this variant in disease. Therefore, it has been classified as a Variant of Uncertain Significance.

NM_004304.5(ALK):c.1639C>T (p.Pro547Ser)

Gene: ALK (ALK receptor tyrosine kinase; minus strand). Cytogenetic location: 2p23.2.
Variant type: single nucleotide variant.
Coding change: c.1639C>T on transcript NM_004304.5 (MANE Select); coding-DNA position 1639, C replaced by T.
Protein change: p.Pro547Ser; replaces proline 547 with serine.
Molecular consequence: missense variant.
Genome position (GRCh38, 1-based): chr2:29,318,312, G>A on the plus strand (C>T on the coding strand, the complement: ALK is on the minus strand). VCF-style: chr2-29318312-G-A. GRCh37 (hg19) VCF-style: chr2-29541178-G-A.
Other names: short protein forms P547S.
Identifiers: ClinVar variation 1464513 (VCV001464513.8), dbSNP rs2148247961, ClinGen allele CA346470817.